The following is an entry in ClinVar:

ClinVar aggregate classification (germline): Uncertain significance (1 of 4 stars; one submission).

Conditions:
Cardiomyopathy (CMYO). Also called: Cardiomyopathies. Identifiers: Orphanet 167848, MedGen C0878544, MONDO:0004994, HP:0001638. Inheritance: Various modes of inheritance.

Submission:

Color Diagnostics, LLC DBA Color Health
Classification: Uncertain significance for Cardiomyopathy. Last evaluated: 2020-10-05. Review status: criteria provided, single submitter. Criteria: ACMG Guidelines, 2015. Collection method: clinical testing. Allele origin: germline.
Comment: This variant causes deletion and insertion of two nucleotides at +3 position in intron 29 of the MYBPC3 gene. To our knowledge, functional studies have not been reported for this variant. This variant has not been reported in individuals affected with cardiovascular disorders in the literature. This variant has not been identified in the general population by the Genome Aggregation Database (gnomAD). The available evidence is insufficient to determine the role of this variant in disease conclusively. Therefore, this variant is classified as a Variant of Uncertain Significance.

NM_000256.3(MYBPC3):c.3190+3_3190+4delinsAT

Gene: MYBPC3 (myosin binding protein C3; minus strand). Cytogenetic location: 11p11.2.
Variant type: Indel.
Coding change: c.3190+3_3190+4delinsAT on transcript NM_000256.3 (MANE Select); bases 3 to 4 of the intron after coding-DNA position 3190, GC replaced by AT.
Molecular consequence: intron variant.
Genome position (GRCh38, 1-based): chr11:47,333,553-47,333,554, GC replaced by AT on the plus strand (GC replaced by AT on the coding strand, the reverse complement: MYBPC3 is on the minus strand). VCF-style: chr11-47333553-GC-AT. GRCh37 (hg19) VCF-style: chr11-47355104-GC-AT.
Identifiers: ClinVar variation 1172255 (VCV001172255.2), dbSNP rs2142851313, ClinGen allele CA2499220962.